The following is an entry in ClinVar:

ClinVar aggregate classification (germline): Benign. Review status: criteria provided, multiple submitters, no conflicts (2 of 4 stars). 3 submissions from 3 submitters: Benign (2). 1 of the submissions does not count toward it. Last evaluated 2018-08-14.

Conditions:
MUC16-related disorder. Also called: MUC16-related condition.

Allele frequency attached by ClinVar (database versions not stated): ExAC 0.00691; gnomAD 0.02181 and 0.02333; 1000 Genomes Project 30x 0.02436; ESP Exome Variant Server 0.02281; TOPMed 0.02469; gnomAD exomes 0.00239 and 0.00571; 1000 Genomes Project 0.02256.

Submissions (3):

Labcorp Genetics (formerly Invitae), Labcorp
Classification: Benign. Last evaluated: 2018-08-14. Review status: criteria provided, single submitter. Criteria: Invitae Variant Classification Sherloc (09022015). Collection method: clinical testing. Allele origin: germline.

Breakthrough Genomics
Classification: Benign. Review status: criteria provided, single submitter. Criteria: ACMG Guidelines, 2015. Collection method: not provided. Allele origin: germline. Inheritance: Unknown mechanism. Affected: yes.

PreventionGenetics, part of Exact Sciences
Classification: Benign for MUC16-related condition. Last evaluated: 2019-10-01. Review status: no assertion criteria provided. Collection method: clinical testing. Allele origin: germline. Not counted in ClinVar's aggregate classification.
Comment: This variant is classified as benign based on ACMG/AMP sequence variant interpretation guidelines (Richards et al. 2015 PMID: 25741868, with internal and published modifications).

NM_001401501.2(MUC16):c.7738A>C (p.Thr2580Pro)

Gene: MUC16 (mucin 16, cell surface associated; minus strand). Cytogenetic location: 19p13.2.
Variant type: single nucleotide variant.
Coding change: c.7738A>C on transcript NM_001401501.2 (MANE Select); coding-DNA position 7738, A replaced by C.
Protein change: p.Thr2580Pro; replaces threonine 2580 with proline.
Molecular consequence: missense variant.
Genome position (GRCh38, 1-based): chr19:8,973,521, T>G on the plus strand (A>C on the coding strand, the complement: MUC16 is on the minus strand). VCF-style: chr19-8973521-T-G. GRCh37 (hg19) VCF-style: chr19-9084197-T-G.
Other names: c.8164A>C, p.Thr2722Pro (NM_001414686.1); c.7618A>C, p.Thr2540Pro (NM_001414687.1, NM_024690.2); short protein forms T2540P, T2580P, T2722P.
Identifiers: ClinVar variation 781411 (VCV000781411.6), dbSNP rs28595701, ClinGen allele CA9172143.